The following is an entry in ClinVar:

NM_014252.4(SLC25A15):c.*1641G>T

Gene: SLC25A15 (solute carrier family 25 member 15; plus strand). Cytogenetic location: 13q14.11.
Variant type: single nucleotide variant.
Coding change: c.*1641G>T on transcript NM_014252.4 (MANE Select); 1641 bases downstream of the stop codon, G replaced by T.
Molecular consequence: 3 prime UTR variant.
Genome position (GRCh38, 1-based): chr13:40,811,308, G>T. VCF-style: chr13-40811308-G-T. GRCh37 (hg19) VCF-style: chr13-41385444-G-T.
Identifiers: ClinVar variation 312204 (VCV000312204.5), dbSNP rs149457069, ClinGen allele CA10634410.

ClinVar aggregate classification (germline): Benign (1 of 4 stars; one submission).

Conditions:
Hyperornithinemia-hyperammonemia-homocitrullinuria syndrome (HHHS). Also called: HHH SYNDROME; Ornithine translocase deficiency. Identifiers: Orphanet 415, MedGen C0268540, MONDO:0009393, OMIM 238970.

Allele frequency attached by ClinVar (database versions not stated): 1000 Genomes Project 0.04213; 1000 Genomes Project 30x 0.04310; gnomAD 0.06406; TOPMed 0.06567.
gnomAD v4.1: 9,701 of 152,166 alleles (6.4%); highest among the groups gnomAD compares: Middle Eastern, 8.9%; 369 homozygotes.

Submission:

Illumina Laboratory Services, Illumina
Classification: Benign for Hyperornithinemia-hyperammonemia-homocitrullinuria syndrome. Last evaluated: 2018-01-12. Review status: criteria provided, single submitter. Criteria: ICSL Variant Classification Criteria 13 December 2019. Collection method: clinical testing. Allele origin: germline.
Comment: This variant was observed in the ICSL laboratory as part of a predisposition screen in an ostensibly healthy population. It had not been previously curated by ICSL or reported in the Human Gene Mutation Database (HGMD: prior to June 1st, 2018), and was therefore a candidate for classification through an automated scoring system. Utilizing variant allele frequency, disease prevalence and penetrance estimates, and inheritance mode, an automated score was calculated to assess if this variant is too frequent to cause the disease. Based on the score and internal cut-off values, a variant classified as benign is not then subjected to further curation. The score for this variant resulted in a classification of benign for this disease.